The following is an entry in ClinVar:

NM_000784.4(CYP27A1):c.398G>A (p.Trp133Ter)

Gene: CYP27A1 (cytochrome P450 family 27 subfamily A member 1; plus strand). Cytogenetic location: 2q35.
Variant type: single nucleotide variant.
Coding change: c.398G>A on transcript NM_000784.4 (MANE Select); coding-DNA position 398, G replaced by A.
Protein change: p.Trp133Ter; replaces tryptophan 133 with a stop codon.
Molecular consequence: nonsense.
Genome position (GRCh38, 1-based): chr2:218,809,719, G>A. VCF-style: chr2-218809719-G-A. GRCh37 (hg19) VCF-style: chr2-219674442-G-A.
Other names: short protein forms W133*.
Identifiers: ClinVar variation 631846 (VCV000631846.14), dbSNP rs1559391480, ClinGen allele CA350583553.
Genomic context (GRCh38, chr2:218,809,719, plus strand): 5'-TCTTGGAGCAAGTGATGCGGCAAGAGGGCAAGTACCCAGTACGGAACGACATGGAGCTAT[G>A]GAAGGAGCACCGGGACCAGCACGACCTGACCTATGGGCCGTTCACCACGTGAGCTGGGGC-3'

ClinVar aggregate classification (germline): Pathogenic/Likely pathogenic. Review status: criteria provided, multiple submitters, no conflicts (2 of 4 stars). 4 submissions from 4 submitters: Pathogenic (3); Likely pathogenic (1). Last evaluated 2024-08-19.

Conditions:
Cholestanol storage disease (CTX). Also called: CTX: Cerebrotendinous xanthomatosis; Cerebrotendinous Xanthomatosis; CEREBRAL CHOLESTERINOSIS. Identifiers: Orphanet 909, MedGen C0238052, MONDO:0008948, OMIM 213700.
Cardiovascular phenotype. Identifiers: MedGen CN230736.

Allele frequency attached by ClinVar (database versions not stated): gnomAD exomes below 0.00001.

Submissions (4):

Revvity Omics, Revvity
Classification: Pathogenic for Cholestanol storage disease. Last evaluated: 2024-08-19. Review status: criteria provided, single submitter. Criteria: ACMG Guidelines, 2015. Collection method: clinical testing. Allele origin: germline.

Labcorp Genetics (formerly Invitae), Labcorp
Classification: Pathogenic for Cholestanol storage disease. Last evaluated: 2024-01-02. Review status: criteria provided, single submitter. Criteria: Invitae Variant Classification Sherloc (09022015). Collection method: clinical testing. Allele origin: germline.
Comment: This sequence change creates a premature translational stop signal (p.Trp133*) in the CYP27A1 gene. It is expected to result in an absent or disrupted protein product. Loss-of-function variants in CYP27A1 are known to be pathogenic (PMID: 9392430, 10775536, 26937392). This variant is not present in population databases (gnomAD no frequency). This premature translational stop signal has been observed in individual(s) with cerebrotendinous xanthomatosis (PMID: 11181744, 21645175). This variant is also known as Trp100Stop. ClinVar contains an entry for this variant (Variation ID: 631846). For these reasons, this variant has been classified as Pathogenic.

Ambry Genetics
Classification: Pathogenic for Cardiovascular phenotype. Last evaluated: 2020-07-29. Review status: criteria provided, single submitter. Criteria: Ambry Variant Classification Scheme 2023. Collection method: clinical testing. Allele origin: germline.
Comment: The p.W133* variant (also known as c.398G>A), located in coding exon 2 of the CYP27A1 gene, results from a G to A substitution at nucleotide position 398. This changes the amino acid from a tryptophan to a stop codon within coding exon 2. This alteration (referred to as c.399G>A) has been identified in the homozygous state in cerebrotendinous xanthomatosis (CTX) cohorts (Pilo de la Fuente B et al. Neurologia, 2011 Sep;26:397-404; Pilo-de-la-Fuente B et al. Eur. J. Neurol., 2011 Oct;18:1203-11). This alteration is expected to result in loss of function by premature protein truncation or nonsense-mediated mRNA decay. As such, this alteration is interpreted as a disease-causing mutation.

Illumina Laboratory Services, Illumina
Classification: Likely pathogenic for Cholestanol storage disease. Last evaluated: 2018-12-19. Review status: criteria provided, single submitter. Criteria: ICSL Variant Classification Criteria 09 May 2019. Collection method: clinical testing. Allele origin: germline.
Comment: The CYP27A1 c.398G>A (p.Trp133Ter) variant is a stop-gained variant that is predicted to result in a premature termination of the protein. The p.Trp133Ter variant has been reported in at least two studies and is found in a total of two probands with cerebrotendinous xanthomatosis including one in a homozygous state and one in a compound heterozygous state with a splice region variant (Lee et al. 2001; Pilo-de-la-Fuente 2011). The p.Trp133Ter variant was absent from 100 controls and is not found in the 1000 Genomes Project, the Exome Sequencing Project, the Exome Aggregation Consortium, or the Genome Aggregation Database in a region of good sequence coverage so it is presumed to be rare. Due to the potential impact of stop-gained variants, the p.Trp133Ter variant is classified as likely pathogenic for cerebrotendinous xanthomatosis. This variant was observed by ICSL as part of a predisposition screen in an ostensibly healthy population.

Literature cited by the submitters: PubMed 9392430 (cited by Labcorp Genetics (formerly Invitae), Labcorp); PubMed 10775536 (cited by Labcorp Genetics (formerly Invitae), Labcorp); PubMed 26937392 (cited by Labcorp Genetics (formerly Invitae), Labcorp); PubMed 11181744 (cited by Labcorp Genetics (formerly Invitae), Labcorp and Illumina Laboratory Services, Illumina); PubMed 21645175 (cited by 3 submitters); PubMed 21345536 (cited by Ambry Genetics and Illumina Laboratory Services, Illumina).